The following is an entry in ClinVar:

ClinVar aggregate classification (germline): Uncertain significance (1 of 4 stars; one submission).

Conditions:
Autosomal dominant polycystic kidney disease. Identifiers: Orphanet 730, MedGen C0085413, MONDO:0004691.

gnomAD v4.1: 1 of 1,613,934 alleles (0.000062%); no homozygotes.

Submission:

Labcorp Genetics (formerly Invitae), Labcorp
Classification: Uncertain significance for Autosomal dominant polycystic kidney disease. Last evaluated: 2019-12-16. Review status: criteria provided, single submitter. Criteria: Invitae Variant Classification Sherloc (09022015). Collection method: clinical testing. Allele origin: germline.
Comment: This sequence change replaces histidine with tyrosine at codon 793 of the PKD2 protein (p.His793Tyr). The histidine residue is moderately conserved and there is a moderate physicochemical difference between histidine and tyrosine. This variant is not present in population databases (ExAC no frequency). This variant has not been reported in the literature in individuals with PKD2-related conditions. Algorithms developed to predict the effect of missense changes on protein structure and function (SIFT, PolyPhen-2, Align-GVGD) all suggest that this variant is likely to be tolerated, but these predictions have not been confirmed by published functional studies and their clinical significance is uncertain. In summary, the available evidence is currently insufficient to determine the role of this variant in disease. Therefore, it has been classified as a Variant of Uncertain Significance.

NM_000297.4(PKD2):c.2377C>T (p.His793Tyr)

Gene: PKD2 (polycystin 2, transient receptor potential cation channel; plus strand). Cytogenetic location: 4q22.1.
Variant type: single nucleotide variant.
Coding change: c.2377C>T on transcript NM_000297.4 (MANE Select); coding-DNA position 2377, C replaced by T.
Protein change: p.His793Tyr; replaces histidine 793 with tyrosine.
Molecular consequence: missense variant. On other transcripts: non-coding transcript variant (1).
Genome position (GRCh38, 1-based): chr4:88,067,916, C>T. VCF-style: chr4-88067916-C-T. GRCh37 (hg19) VCF-style: chr4-88989068-C-T.
Other names: short protein forms H793Y.
Identifiers: ClinVar variation 857263 (VCV000857263.1), dbSNP rs1720855480, ClinGen allele CA357626557.